The following is an entry in ClinVar:

ClinVar aggregate classification (germline): Benign/Likely benign. Review status: criteria provided, multiple submitters, no conflicts (2 of 4 stars). 2 submissions from 2 submitters: Benign (1); Likely benign (1). Last evaluated 2025-06-01.

gnomAD v4.1: 559 of 1,614,144 alleles (0.035%); highest among the groups gnomAD compares: South Asian, 0.57%; 7 homozygotes.

Submissions (2):

CeGaT Center for Human Genetics Tuebingen
Classification: Likely benign. Last evaluated: 2025-06-01. Review status: criteria provided, single submitter. Criteria: CeGaT Center For Human Genetics Tuebingen Variant Classification Criteria Version 2. Collection method: clinical testing. Allele origin: germline. Affected: yes. Observed: 1 variant allele.
Comment: TOP1MT: BP4, BP7

Labcorp Genetics (formerly Invitae), Labcorp
Classification: Benign. Last evaluated: 2024-10-30. Review status: criteria provided, single submitter. Criteria: Invitae Variant Classification Sherloc (09022015). Collection method: clinical testing. Allele origin: germline.

NM_052963.3(TOP1MT):c.1425G>T (p.Thr475=)

Gene: TOP1MT (DNA topoisomerase I mitochondrial; minus strand). Cytogenetic location: 8q24.3.
Variant type: single nucleotide variant.
Coding change: c.1425G>T on transcript NM_052963.3 (MANE Select); coding-DNA position 1425, G replaced by T.
Protein change: p.Thr475=; no amino-acid change (threonine 475 retained).
Molecular consequence: synonymous variant.
Genome position (GRCh38, 1-based): chr8:143,316,032, C>A on the plus strand (G>T on the coding strand, the complement: TOP1MT is on the minus strand). VCF-style: chr8-143316032-C-A. GRCh37 (hg19) VCF-style: chr8-144398202-C-A.
Other names: c.1131G>T, p.Thr377= (NM_001258446.1, NM_001258447.1).
Identifiers: ClinVar variation 3712274 (VCV003712274.12).